The following is an entry in ClinVar:

ClinVar aggregate classification (germline): Uncertain significance (1 of 4 stars; one submission).

Conditions:
Autosomal dominant spastic paraplegia type 9. Identifiers: MedGen C1832669, MONDO:0015091.
de Barsy syndrome. Also called: Cutis laxa-corneal clouding-oligophrenia syndrome. Identifiers: Orphanet 2962, MedGen C0268354, MONDO:0017569.
Cutis laxa, autosomal dominant 3 (ADCL3). Identifiers: Orphanet 90348, MedGen C4225268, MONDO:0014706, OMIM 616603.

Allele frequency attached by ClinVar (database versions not stated): gnomAD exomes 0.00001; ExAC 0.00002; TOPMed 0.00002; gnomAD 0.00003.
gnomAD v4.1: 13 of 1,614,048 alleles (0.00081%); highest among the groups gnomAD compares: South Asian, 0.0022%; no homozygotes.

Submission:

Labcorp Genetics (formerly Invitae), Labcorp
Classification: Uncertain significance for Autosomal dominant spastic paraplegia type 9; de Barsy syndrome; Cutis laxa, autosomal dominant 3. Last evaluated: 2025-04-09. Review status: criteria provided, single submitter. Criteria: Invitae Variant Classification Sherloc (09022015). Collection method: clinical testing. Allele origin: germline.
Comment: This sequence change replaces asparagine, which is neutral and polar, with aspartic acid, which is acidic and polar, at codon 795 of the ALDH18A1 protein (p.Asn795Asp). This variant is present in population databases (rs747918055, gnomAD 0.006%). This variant has not been reported in the literature in individuals affected with ALDH18A1-related conditions. ClinVar contains an entry for this variant (Variation ID: 665168). An algorithm developed to predict the effect of missense changes on protein structure and function (PolyPhen-2) suggests that this variant is likely to be tolerated. In summary, the available evidence is currently insufficient to determine the role of this variant in disease. Therefore, it has been classified as a Variant of Uncertain Significance.

NM_002860.4(ALDH18A1):c.2383A>G (p.Asn795Asp)

Gene: ALDH18A1 (aldehyde dehydrogenase 18 family member A1; minus strand). Cytogenetic location: 10q24.1.
Variant type: single nucleotide variant.
Coding change: c.2383A>G on transcript NM_002860.4 (MANE Select); coding-DNA position 2383, A replaced by G.
Protein change: p.Asn795Asp; replaces asparagine 795 with aspartic acid.
Molecular consequence: missense variant.
Genome position (GRCh38, 1-based): chr10:95,606,767, T>C on the plus strand (A>G on the coding strand, the complement: ALDH18A1 is on the minus strand). VCF-style: chr10-95606767-T-C. GRCh37 (hg19) VCF-style: chr10-97366524-T-C.
Other names: c.2377A>G, p.Asn793Asp (NM_001017423.2, NM_001323415.2); c.2050A>G, p.Asn684Asp (NM_001323412.2, NM_001323416.2); c.2383A>G, p.Asn795Asp (NM_001323413.2, NM_001323414.2); c.2278A>G, p.Asn760Asp (NM_001323417.2); c.2044A>G, p.Asn682Asp (NM_001323418.2); c.1747A>G, p.Asn583Asp (NM_001323419.2); short protein forms N795D, N684D, N793D, N583D, N682D, N760D.
Identifiers: ClinVar variation 665168 (VCV000665168.9), dbSNP rs747918055, ClinGen allele CA5620078.